The following is an entry in ClinVar:

ClinVar aggregate classification (germline): Uncertain significance. Review status: criteria provided, multiple submitters, no conflicts (2 of 4 stars). 3 submissions from 3 submitters: Uncertain significance (3). Last evaluated 2026-05-04.

Conditions:
Cardiovascular phenotype. Identifiers: MedGen CN230736.

gnomAD v4.1: 1 of 1,613,710 alleles (0.000062%); highest among the groups gnomAD compares: Non-Finnish European, 0.000085%; no homozygotes.

Submissions (3):

Women's Health and Genetics/Laboratory Corporation of America, LabCorp
Classification: Uncertain significance. Last evaluated: 2026-05-04. Review status: criteria provided, single submitter. Criteria: LabCorp Variant Classification Summary - May 2015. Collection method: clinical testing. Allele origin: germline.
Comment: Variant summary: SCN10A c.5128T>C (p.Phe1710Leu) results in a non-conservative amino acid change in the encoded protein sequence. Algorithms developed to predict the effect of missense changes on protein structure and function all suggest that this variant is likely to be disruptive. The variant was absent in 251340 control chromosomes. The available data on variant occurrences in the general population are insufficient to allow any conclusion about variant significance. To our knowledge, no occurrence of c.5128T>C in individuals affected with SCN10A-related conditions and no experimental evidence demonstrating its impact on protein function have been reported. ClinVar contains an entry for this variant (Variation ID: 3370977). Based on the evidence outlined above, the variant was classified as uncertain significance.

Ambry Genetics
Classification: Uncertain significance for Cardiovascular phenotype. Last evaluated: 2025-12-26. Review status: criteria provided, single submitter. Criteria: Ambry Variant Classification Scheme 2023. Collection method: clinical testing. Allele origin: germline.
Comment: The p.F1710L variant (also known as c.5128T>C), located in coding exon 27 of the SCN10A gene, results from a T to C substitution at nucleotide position 5128. The phenylalanine at codon 1710 is replaced by leucine, an amino acid with highly similar properties. This amino acid position is conserved. In addition, this alteration is predicted to be deleterious by in silico analysis. Based on the available evidence, the clinical significance of this variant remains unclear.

GeneDx
Classification: Uncertain significance. Last evaluated: 2024-03-13. Review status: criteria provided, single submitter. Criteria: GeneDx Variant Classification Process June 2021. Collection method: clinical testing. Allele origin: germline. Affected: yes.
Comment: Has not been previously published as pathogenic or benign to our knowledge; Not observed at significant frequency in large population cohorts (gnomAD); In silico analysis supports that this missense variant has a deleterious effect on protein structure/function

NM_006514.4(SCN10A):c.5128T>C (p.Phe1710Leu)

Gene: SCN10A (sodium voltage-gated channel alpha subunit 10; minus strand). Cytogenetic location: 3p22.2.
Variant type: single nucleotide variant.
Coding change: c.5128T>C on transcript NM_006514.4 (MANE Select); coding-DNA position 5128, T replaced by C.
Protein change: p.Phe1710Leu; replaces phenylalanine 1710 with leucine.
Molecular consequence: missense variant.
Genome position (GRCh38, 1-based): chr3:38,698,092, A>G on the plus strand (T>C on the coding strand, the complement: SCN10A is on the minus strand). VCF-style: chr3-38698092-A-G. GRCh37 (hg19) VCF-style: chr3-38739583-A-G.
Other names: c.5125T>C, p.Phe1709Leu (NM_001293306.2); c.4834T>C, p.Phe1612Leu (NM_001293307.2); short protein forms F1612L, F1709L, F1710L.
Identifiers: ClinVar variation 3370977 (VCV003370977.3).